The following is an entry in ClinVar:

ClinVar aggregate classification (germline): Uncertain significance. Review status: criteria provided, multiple submitters, no conflicts (2 of 4 stars). 3 submissions from 3 submitters: Uncertain significance (3). Last evaluated 2026-09-01.

Conditions:
GUCY2D-related disorder. Also called: GUCY2D-related condition.
Inborn genetic diseases. Identifiers: MedGen C0950123, MeSH D030342.
Cone-rod dystrophy 6 (CORD6). Also called: RETINAL CONE DYSTROPHY 2; Cone dystrophy progressive. Identifiers: Orphanet 1872, MedGen C1866293, MONDO:0011143, OMIM 601777.
Leber congenital amaurosis 1 (LCA1). Also called: RETINAL BLINDNESS, CONGENITAL; AMAUROSIS CONGENITA OF LEBER I; Congenital absence of the rods and cones; Leber's congenital tapetoretinal degeneration; Leber's congenital tapetoretinal dysplasia. Identifiers: Orphanet 65, MedGen C2931258, MONDO:0008764, OMIM 204000.

Allele frequency attached by ClinVar (database versions not stated): TOPMed 0.00004; gnomAD 0.00007.
gnomAD v4.1: 354 of 1,581,892 alleles (0.022%); highest among the groups gnomAD compares: Non-Finnish European, 0.029%; 1 homozygote.

Submissions (3):

PreventionGenetics, part of Exact Sciences
Classification: Uncertain significance for GUCY2D-related condition. Last evaluated: 2026-09-01. Review status: criteria provided, single submitter. Criteria: ACMG Guidelines, 2015. Collection method: clinical testing. Allele origin: germline.
Comment: The GUCY2D c.3274C>T variant is predicted to result in the amino acid substitution p.Arg1092Trp. To our knowledge, this variant has not been reported in the literature. This variant is reported in 0.020% of alleles in individuals of African descent in gnomAD. At this time, the clinical significance of this variant is uncertain due to the absence of conclusive functional and genetic evidence.

Ambry Genetics
Classification: Uncertain significance for Inborn genetic diseases. Last evaluated: 2025-07-15. Review status: criteria provided, single submitter. Criteria: Ambry Variant Classification Scheme 2023. Collection method: clinical testing. Allele origin: germline.

Labcorp Genetics (formerly Invitae), Labcorp
Classification: Uncertain significance for Leber congenital amaurosis 1; Cone-rod dystrophy 6. Last evaluated: 2024-10-02. Review status: criteria provided, single submitter. Criteria: Invitae Variant Classification Sherloc (09022015). Collection method: clinical testing. Allele origin: germline.
Comment: This sequence change replaces arginine, which is basic and polar, with tryptophan, which is neutral and slightly polar, at codon 1092 of the GUCY2D protein (p.Arg1092Trp). The frequency data for this variant in the population databases is considered unreliable, as metrics indicate poor data quality at this position in the gnomAD database. This variant has not been reported in the literature in individuals affected with GUCY2D-related conditions. ClinVar contains an entry for this variant (Variation ID: 957388). Invitae Evidence Modeling of protein sequence and biophysical properties (such as structural, functional, and spatial information, amino acid conservation, physicochemical variation, residue mobility, and thermodynamic stability) indicates that this missense variant is not expected to disrupt GUCY2D protein function with a negative predictive value of 80%. In summary, the available evidence is currently insufficient to determine the role of this variant in disease. Therefore, it has been classified as a Variant of Uncertain Significance.

NM_000180.4(GUCY2D):c.3274C>T (p.Arg1092Trp)

Gene: GUCY2D (guanylate cyclase 2D, retinal; plus strand). Cytogenetic location: 17p13.1.
Variant type: single nucleotide variant.
Coding change: c.3274C>T on transcript NM_000180.4 (MANE Select); coding-DNA position 3274, C replaced by T.
Protein change: p.Arg1092Trp; replaces arginine 1092 with tryptophan.
Molecular consequence: missense variant.
Genome position (GRCh38, 1-based): chr17:8,016,492, C>T. VCF-style: chr17-8016492-C-T. GRCh37 (hg19) VCF-style: chr17-7919810-C-T.
Other names: short protein forms R1092W.
Identifiers: ClinVar variation 957388 (VCV000957388.9), dbSNP rs746525316, ClinGen allele CA287535371.